The following is an entry in ClinVar:

NM_000321.3(RB1):c.1805C>A (p.Ala602Glu)

Gene: RB1 (RB transcriptional corepressor 1; plus strand). Cytogenetic location: 13q14.2.
Variant type: single nucleotide variant.
Coding change: c.1805C>A on transcript NM_000321.3 (MANE Select); coding-DNA position 1805, C replaced by A.
Protein change: p.Ala602Glu; replaces alanine 602 with glutamic acid.
Molecular consequence: missense variant.
Genome position (GRCh38, 1-based): chr13:48,453,102, C>A. VCF-style: chr13-48453102-C-A. GRCh37 (hg19) VCF-style: chr13-49027238-C-A.
Other names: c.1805C>A, p.Ala602Glu (NM_001407165.1); short protein forms A602E.
Identifiers: ClinVar variation 2450523 (VCV002450523.5), dbSNP rs867778929, ClinGen allele CA249305482.

ClinVar aggregate classification (germline): Uncertain significance. Review status: criteria provided, multiple submitters, no conflicts (2 of 4 stars). 2 submissions from 2 submitters: Uncertain significance (2). Last evaluated 2026-06-17.

Conditions:
Retinoblastoma (RB1). Also called: RETINOBLASTOMA, SOMATIC. Identifiers: Orphanet 790, MedGen C0035335, MeSH D012175, MONDO:0008380, OMIM 180200, HP:0009919. Disease mechanism: loss of function. Inheritance: Both sporadic and heritable forms are tested..
Hereditary cancer-predisposing syndrome. Also called: Hereditary Cancer Syndrome; Hereditary neoplastic syndrome; Neoplastic Syndromes, Hereditary; Tumor predisposition. Identifiers: Orphanet 140162, MedGen C0027672, MeSH D009386, MONDO:0015356.

Submissions (2):

Ambry Genetics
Classification: Uncertain significance for Hereditary cancer-predisposing syndrome. Last evaluated: 2026-06-17. Review status: criteria provided, single submitter. Criteria: Ambry Variant Classification Scheme 2023. Collection method: clinical testing. Allele origin: germline.

All of Us Research Program, National Institutes of Health
Classification: Uncertain significance for Retinoblastoma. Last evaluated: 2024-09-23. Review status: criteria provided, single submitter. Criteria: ACMG Guidelines, 2015. Collection method: clinical testing. Allele origin: germline. Inheritance: Autosomal dominant inheritance. Observed: 2 variant alleles, 2 heterozygotes.
Comment: This missense variant replaces alanine with glutamic acid at codon 602 of the RB1 protein. Computational prediction suggests that this variant may have deleterious impact on protein structure and function (internally defined REVEL score threshold >= 0.7, PMID: 27666373). To our knowledge, functional studies have not been reported for this variant. This variant has not been reported in individuals affected with RB1-related disorders in the literature. This variant has not been identified in the general population by the Genome Aggregation Database (gnomAD). The available evidence is insufficient to determine the role of this variant in disease conclusively. Therefore, this variant is classified as a Variant of Uncertain Significance.

This study involves interpretation of variants in research participants for the purpose of population health screening. Participant phenotype was not available at the time of variant classification. Additional details can be found in publication PMID: 35346344, PMCID: PMC8962531